The following is an entry in ClinVar:

NM_000374.5(UROD):c.464C>T (p.Ala155Val)

Gene: UROD (uroporphyrinogen decarboxylase; plus strand). Cytogenetic location: 1p34.1.
Variant type: single nucleotide variant.
Coding change: c.464C>T on transcript NM_000374.5 (MANE Select); coding-DNA position 464, C replaced by T.
Protein change: p.Ala155Val; replaces alanine 155 with valine.
Molecular consequence: missense variant. On other transcripts: non-coding transcript variant (3).
Genome position (GRCh38, 1-based): chr1:45,013,781, C>T. VCF-style: chr1-45013781-C-T. GRCh37 (hg19) VCF-style: chr1-45479453-C-T.
Other names: short protein forms A155V.
Identifiers: ClinVar variation 2863280 (VCV002863280.3), dbSNP rs1644825452, ClinGen allele CA340118117.

ClinVar aggregate classification (germline): Uncertain significance (1 of 4 stars; one submission).

Allele frequency attached by ClinVar (database versions not stated): TOPMed below 0.00001; gnomAD 0.00001.
gnomAD v4.1: 1 of 1,614,078 alleles (0.000062%); highest among the groups gnomAD compares: Non-Finnish European, 0.000085%; no homozygotes.

Submission:

Labcorp Genetics (formerly Invitae), Labcorp
Classification: Uncertain significance. Last evaluated: 2023-05-22. Review status: criteria provided, single submitter. Criteria: Invitae Variant Classification Sherloc (09022015). Collection method: clinical testing. Allele origin: germline.
Comment: Advanced modeling of protein sequence and biophysical properties (such as structural, functional, and spatial information, amino acid conservation, physicochemical variation, residue mobility, and thermodynamic stability) performed at Invitae indicates that this missense variant is not expected to disrupt UROD protein function. In summary, the available evidence is currently insufficient to determine the role of this variant in disease. Therefore, it has been classified as a Variant of Uncertain Significance. Algorithms developed to predict the effect of sequence changes on RNA splicing suggest that this variant may create or strengthen a splice site. This variant has not been reported in the literature in individuals affected with UROD-related conditions. This variant is not present in population databases (gnomAD no frequency). This sequence change replaces alanine, which is neutral and non-polar, with valine, which is neutral and non-polar, at codon 155 of the UROD protein (p.Ala155Val).